The following is an entry in ClinVar:

NM_014026.6(DCPS):c.148C>T (p.Gln50Ter)

Genes: DCPS (decapping enzyme, scavenger; plus strand), TIRAP-AS1 (TIRAP antisense RNA 1; minus strand). Cytogenetic location: 11q24.2.
Variant type: single nucleotide variant.
Coding change: c.148C>T on transcript NM_014026.6 (MANE Select); coding-DNA position 148, C replaced by T.
Protein change: p.Gln50Ter; replaces glutamine 50 with a stop codon.
Molecular consequence: nonsense. On other transcripts: non-coding transcript variant (6).
Genome position (GRCh38, 1-based): chr11:126,304,228, C>T. VCF-style: chr11-126304228-C-T. GRCh37 (hg19) VCF-style: chr11-126174123-C-T.
Other names: c.148C>T, p.Gln50Ter (NM_001350236.2); short protein forms Q50*.
Identifiers: ClinVar variation 5009648 (VCV005009648.1).

ClinVar aggregate classification (germline): Uncertain significance (1 of 4 stars; one submission).

Submission:

GeneDx
Classification: Uncertain significance. Last evaluated: 2026-02-16. Review status: criteria provided, single submitter. Criteria: GeneDx Variant Classification Process June 2021. Collection method: clinical testing. Allele origin: germline.
Comment: Not observed at significant frequency in large population cohorts (gnomAD); Nonsense variant predicted to result in protein truncation or nonsense mediated decay in a gene or region of a gene for which loss of function is not a well-established mechanism of disease; Has not been previously published as pathogenic or benign to our knowledge